The following is an entry in ClinVar:

ClinVar aggregate classification (germline): Uncertain significance (1 of 4 stars; one submission).

Submission:

Labcorp Genetics (formerly Invitae), Labcorp
Classification: Uncertain significance. Last evaluated: 2019-02-26. Review status: criteria provided, single submitter. Criteria: Invitae Variant Classification Sherloc (09022015). Collection method: clinical testing. Allele origin: germline.
Comment: This variant results in a copy number gain of the genomic region encompassing the full coding sequence of the COL4A2 gene. The boundaries of this event are unknown as they extend beyond the assayed region for this gene and therefore may encompass additional genes. As the precise location of this event is unknown, it may be in tandem or it may be located elsewhere in the genome. Similar duplications have not been reported in the literature in individuals with COL4A2-related conditions. In summary, the available evidence is currently insufficient to determine the role of this variant in disease. Therefore, it has been classified as a Variant of Uncertain Significance.

NC_000013.11:g.(?_110307904)_(110706093_?)dup

Genes: RAB20 (RAB20, member RAS oncogene family; minus strand), CARS2 (cysteinyl-tRNA synthetase 2, mitochondrial; minus strand), COL4A2 (collagen type IV alpha 2 chain; plus strand), NAXD (NAD(P)HX dehydratase; plus strand). Cytogenetic location: 13q34.
Variant type: Duplication.
Identifiers: ClinVar variation 830941 (VCV000830941.1).